The following is an entry in ClinVar:

ClinVar aggregate classification (germline): Benign. Review status: criteria provided, multiple submitters, no conflicts (2 of 4 stars). 2 submissions from 2 submitters: Benign (2). Last evaluated 2018-06-14.

Allele frequency attached by ClinVar (database versions not stated): gnomAD 0.23206 and 0.23585; ESP Exome Variant Server 0.23247; TOPMed 0.23755; 1000 Genomes Project 30x 0.24656; 1000 Genomes Project 0.25519; gnomAD exomes 0.25650.
gnomAD v4.1: 329,830 of 1,296,498 alleles (25%); highest among the groups gnomAD compares: Middle Eastern, 31%; 43,088 homozygotes.

Submissions (2):

GeneDx
Classification: Benign. Last evaluated: 2018-06-14. Review status: criteria provided, single submitter. Criteria: GeneDx Variant Classification (06012015). Collection method: clinical testing. Allele origin: germline. Affected: yes.
Comment: This variant is considered likely benign or benign based on one or more of the following criteria: it is a conservative change, it occurs at a poorly conserved position in the protein, it is predicted to be benign by multiple in silico algorithms, and/or has population frequency not consistent with disease.

Breakthrough Genomics
Classification: Benign. Review status: criteria provided, single submitter. Criteria: ACMG Guidelines, 2015. Collection method: not provided. Allele origin: germline. Inheritance: Autosomal recessive inheritance. Affected: yes.

NM_001008215.3(COA5):c.100-53A>G

Gene: COA5 (cytochrome c oxidase assembly factor 5; minus strand). Cytogenetic location: 2q11.2.
Variant type: single nucleotide variant.
Coding change: c.100-53A>G on transcript NM_001008215.3 (MANE Select); 53 bases into the intron before coding-DNA position 100, A replaced by G.
Molecular consequence: intron variant.
Genome position (GRCh38, 1-based): chr2:98,604,244, T>C on the plus strand (A>G on the coding strand, the complement: COA5 is on the minus strand). VCF-style: chr2-98604244-T-C. GRCh37 (hg19) VCF-style: chr2-99220707-T-C.
Identifiers: ClinVar variation 673470 (VCV000673470.2), dbSNP rs4851144, ClinGen allele CA11021188.